The following is an entry in ClinVar:

NM_001845.6(COL4A1):c.1344A>G (p.Pro448=)

Genes: COL4A1 (collagen type IV alpha 1 chain; minus strand), LOC126861856 (BRD4-independent group 4 enhancer GRCh37_chr13:110846747-110847946; plus strand). Cytogenetic location: 13q34.
Variant type: single nucleotide variant.
Coding change: c.1344A>G on transcript NM_001845.6 (MANE Select); coding-DNA position 1344, A replaced by G.
Protein change: p.Pro448=; no amino-acid change (proline 448 retained).
Molecular consequence: synonymous variant.
Genome position (GRCh38, 1-based): chr13:110,195,060, T>C on the plus strand (A>G on the coding strand, the complement: COL4A1 is on the minus strand). VCF-style: chr13-110195060-T-C. GRCh37 (hg19) VCF-style: chr13-110847407-T-C.
Other names: c.1344A>G, p.Pro448= (NM_001303110.2); c.1344A>G (NM_001845.5).
Identifiers: ClinVar variation 2062487 (VCV002062487.5), dbSNP rs761466831, ClinGen allele CA7047985.
Genomic context (GRCh38, chr13:110,195,060, plus strand): 5'-TTAAAAAAATCAAAATTTCTTACCTTTCTCTCCAATTTCGCCTATAAATCCTGGCTGCCC[T>C]GGAATTCCAGGAGGACCCTGGTCACCTGGAGGTCCGGGCTGACATTCCACAATTCCATCT-3'
Protein context (NP_001836.3, residues 438-458): PPGDQGPPGI[Pro448=]GQPGFIGEIG

ClinVar aggregate classification (germline): Likely benign. Review status: criteria provided, multiple submitters, no conflicts (2 of 4 stars). 2 submissions from 2 submitters: Likely benign (2). Last evaluated 2025-09-10.

Conditions:
COL4A1-related disorder. Also called: COL4A1-related disorders; COL4A1-related condition. Identifiers: MedGen CN376119, MONDO:0800461.

Allele frequency attached by ClinVar (database versions not stated): gnomAD exomes below 0.00001; ExAC 0.00001; TOPMed 0.00002; gnomAD 0.00003.
gnomAD v4.1: 10 of 1,614,026 alleles (0.00062%); highest among the groups gnomAD compares: African/African-American, 0.008%; no homozygotes.

Submissions (2):

Labcorp Genetics (formerly Invitae), Labcorp
Classification: Likely benign. Last evaluated: 2025-09-10. Review status: criteria provided, single submitter. Criteria: Invitae Variant Classification Sherloc (09022015). Collection method: clinical testing. Allele origin: germline.

PreventionGenetics, part of Exact Sciences
Classification: Likely benign for COL4A1-related condition. Last evaluated: 2024-10-29. Review status: criteria provided, single submitter. Criteria: ACMG Guidelines, 2015. Collection method: clinical testing. Allele origin: germline.
Comment: This variant is classified as likely benign based on ACMG/AMP sequence variant interpretation guidelines (Richards et al. 2015 PMID: 25741868, with internal and published modifications).